The following is an entry in ClinVar:

NM_001001957.2(OR2W3):c.190G>T (p.Ala64Ser)

Gene: OR2W3 (olfactory receptor family 2 subfamily W member 3; plus strand). Cytogenetic location: 1q44.
Variant type: single nucleotide variant.
Coding change: c.190G>T on transcript NM_001001957.2 (MANE Select); coding-DNA position 190, G replaced by T.
Protein change: p.Ala64Ser; replaces alanine 64 with serine.
Molecular consequence: missense variant.
Genome position (GRCh38, 1-based): chr1:247,895,776, G>T. VCF-style: chr1-247895776-G-T. GRCh37 (hg19) VCF-style: chr1-248059078-G-T.
Other names: short protein forms A64S.
Identifiers: ClinVar variation 2419500 (VCV002419500.6), dbSNP rs61752499, ClinGen allele CA345591502.

ClinVar aggregate classification (germline): Uncertain significance (1 of 4 stars; one submission).

Submission:

Labcorp Genetics (formerly Invitae), Labcorp
Classification: Uncertain significance. Last evaluated: 2022-05-20. Review status: criteria provided, single submitter. Criteria: Invitae Variant Classification Sherloc (09022015). Collection method: clinical testing. Allele origin: germline.
Comment: This variant has not been reported in the literature in individuals affected with OR2W3-related conditions. In summary, the available evidence is currently insufficient to determine the role of this variant in disease. Therefore, it has been classified as a Variant of Uncertain Significance. Algorithms developed to predict the effect of missense changes on protein structure and function (SIFT, PolyPhen-2, Align-GVGD) all suggest that this variant is likely to be tolerated. This variant is not present in population databases (gnomAD no frequency). This sequence change replaces alanine, which is neutral and non-polar, with serine, which is neutral and polar, at codon 64 of the OR2W3 protein (p.Ala64Ser).